The following is an entry in ClinVar:

NM_013275.6(ANKRD11):c.6188A>G (p.Glu2063Gly)

Gene: ANKRD11 (ankyrin repeat domain 11; minus strand). Cytogenetic location: 16q24.3.
Variant type: single nucleotide variant.
Coding change: c.6188A>G on transcript NM_013275.6 (MANE Select); coding-DNA position 6188, A replaced by G.
Protein change: p.Glu2063Gly; replaces glutamic acid 2063 with glycine.
Molecular consequence: missense variant.
Genome position (GRCh38, 1-based): chr16:89,280,354, T>C on the plus strand (A>G on the coding strand, the complement: ANKRD11 is on the minus strand). VCF-style: chr16-89280354-T-C. GRCh37 (hg19) VCF-style: chr16-89346762-T-C.
Other names: c.6188A>G (NM_013275.4); c.6188A>G, p.Glu2063Gly (NM_001256182.2, NM_001256183.2); short protein forms E2063G.
Identifiers: ClinVar variation 2201412 (VCV002201412.6), dbSNP rs373782987, ClinGen allele CA8241544.

ClinVar aggregate classification (germline): Conflicting classifications of pathogenicity. Review status: criteria provided, conflicting classifications (1 of 4 stars). 3 submissions from 3 submitters: Uncertain significance (2); Likely benign (1). Last evaluated 2025-06-13.

Conditions:
Inborn genetic diseases. Identifiers: MedGen C0950123, MeSH D030342.
KBG syndrome (KBGS). Also called: ANKRD11-Related KBG Syndrome. Identifiers: Orphanet 2332, MedGen C0220687, MONDO:0007846, OMIM 148050.

Allele frequency attached by ClinVar (database versions not stated): ExAC 0.00004; TOPMed 0.00009; gnomAD 0.00005; ESP Exome Variant Server 0.00009.
gnomAD v4.1: 21 of 1,572,156 alleles (0.0013%); highest among the groups gnomAD compares: African/African-American, 0.023%; no homozygotes.

Submissions (3):

Labcorp Genetics (formerly Invitae), Labcorp
Classification: Uncertain significance for KBG syndrome. Last evaluated: 2025-06-13. Review status: criteria provided, single submitter. Criteria: Invitae Variant Classification Sherloc (09022015). Collection method: clinical testing. Allele origin: germline.
Comment: This sequence change replaces glutamic acid, which is acidic and polar, with glycine, which is neutral and non-polar, at codon 2063 of the ANKRD11 protein (p.Glu2063Gly). This variant is present in population databases (rs373782987, gnomAD 0.03%). This variant has not been reported in the literature in individuals affected with ANKRD11-related conditions. ClinVar contains an entry for this variant (Variation ID: 2201412). Invitae Evidence Modeling of protein sequence and biophysical properties (such as structural, functional, and spatial information, amino acid conservation, physicochemical variation, residue mobility, and thermodynamic stability) indicates that this missense variant is not expected to disrupt ANKRD11 protein function with a negative predictive value of 95%. In summary, the available evidence is currently insufficient to determine the role of this variant in disease. Therefore, it has been classified as a Variant of Uncertain Significance.

Ambry Genetics
Classification: Likely benign for Inborn genetic diseases. Last evaluated: 2024-11-21. Review status: criteria provided, single submitter. Criteria: Ambry Variant Classification Scheme 2023. Collection method: clinical testing. Allele origin: germline.

Women's Health and Genetics/Laboratory Corporation of America, LabCorp
Classification: Uncertain significance. Last evaluated: 2024-04-25. Review status: criteria provided, single submitter. Criteria: LabCorp Variant Classification Summary - May 2015. Collection method: clinical testing. Allele origin: germline.
Comment: Variant summary: ANKRD11 c.6188A>G (p.Glu2063Gly) results in a non-conservative amino acid change in the encoded protein sequence. Four of five in-silico tools predict a benign effect of the variant on protein function. The variant allele was found at a frequency of 1.9e-05 in 205838 control chromosomes. The available data on variant occurrences in the general population are insufficient to allow any conclusion about variant significance. To our knowledge, no occurrence of c.6188A>G in individuals affected with KBG Syndrome and no experimental evidence demonstrating its impact on protein function have been reported. ClinVar contains an entry for this variant (Variation ID: 2201412). Based on the evidence outlined above, the variant was classified as uncertain significance.